The following is an entry in ClinVar:

NM_001035.3(RYR2):c.3800A>G (p.His1267Arg)

Genes: RYR2 (ryanodine receptor 2; plus strand), LOC126806067 (BRD4-independent group 4 enhancer GRCh37_chr1:237753258-237754457; plus strand). Cytogenetic location: 1q43.
Variant type: single nucleotide variant.
Coding change: c.3800A>G on transcript NM_001035.3 (MANE Select); coding-DNA position 3800, A replaced by G.
Protein change: p.His1267Arg; replaces histidine 1267 with arginine.
Molecular consequence: missense variant.
Genome position (GRCh38, 1-based): chr1:237,589,994, A>G. VCF-style: chr1-237589994-A-G. GRCh37 (hg19) VCF-style: chr1-237753294-A-G.
Other names: short protein forms H1267R.
Identifiers: ClinVar variation 2430697 (VCV002430697.5), dbSNP rs774798390, ClinGen allele CA39802120.

ClinVar aggregate classification (germline): Uncertain significance. Review status: criteria provided, multiple submitters, no conflicts (2 of 4 stars). 4 submissions from 4 submitters: Uncertain significance (4). Last evaluated 2026-06-09.

Conditions:
Cardiovascular phenotype. Identifiers: MedGen CN230736.
Catecholaminergic polymorphic ventricular tachycardia (CVPT). Also called: Catecholamine-induced polymorphic ventricular tachycardia. Identifiers: Orphanet 3286, MedGen C5574922, MONDO:0017990.
Catecholaminergic polymorphic ventricular tachycardia 1. Also called: VENTRICULAR TACHYCARDIA, CATECHOLAMINERGIC POLYMORPHIC, 1, WITH OR WITHOUT ATRIAL DYSFUNCTION AND/OR DILATED CARDIOMYOPATHY; RYR2-Related Catecholaminergic Polymorphic Ventricular Tachycardia; VENTRICULAR TACHYCARDIA, STRESS-INDUCED POLYMORPHIC 1. Identifiers: Orphanet 3286, MedGen C1631597, MONDO:0011484, OMIM 604772.

Allele frequency attached by ClinVar (database versions not stated): gnomAD 0.00001.
gnomAD v4.1: 10 of 1,610,974 alleles (0.00062%); highest among the groups gnomAD compares: African/African-American, 0.0013%; no homozygotes.

Submissions (4):

Ambry Genetics
Classification: Uncertain significance for Cardiovascular phenotype. Last evaluated: 2026-06-09. Review status: criteria provided, single submitter. Criteria: Ambry Variant Classification Scheme 2023. Collection method: clinical testing. Allele origin: germline.
Comment: The p.H1267R variant (also known as c.3800A>G), located in coding exon 30 of the RYR2 gene, results from an A to G substitution at nucleotide position 3800. The histidine at codon 1267 is replaced by arginine, an amino acid with highly similar properties. This amino acid position is conserved. In addition, this alteration is predicted to be deleterious by in silico analysis. Based on the available evidence, the clinical significance of this variant remains unclear.

All of Us Research Program, National Institutes of Health
Classification: Uncertain significance for Catecholaminergic polymorphic ventricular tachycardia. Last evaluated: 2023-12-18. Review status: criteria provided, single submitter. Criteria: ACMG Guidelines, 2015. Collection method: clinical testing. Allele origin: germline. Inheritance: Autosomal dominant inheritance. Observed: 1 variant allele, 1 heterozygote.
Comment: This missense variant replaces histidine with arginine at codon 1267 of the RYR2 protein. Computational prediction is inconclusive regarding the impact of this variant on protein structure and function (internally defined REVEL score threshold 0.5 < inconclusive < 0.7, PMID: 27666373). To our knowledge, functional studies have not been reported for this variant. This variant has not been reported in individuals affected with RYR2-related disorders in the literature. This variant has not been identified in the general population by the Genome Aggregation Database (gnomAD). The available evidence is insufficient to determine the role of this variant in disease conclusively. Therefore, this variant is classified as a Variant of Uncertain Significance.

This study involves interpretation of variants in research participants for the purpose of population health screening. Participant phenotype was not available at the time of variant classification. Additional details can be found in publication PMID: 35346344, PMCID: PMC8962531

Labcorp Genetics (formerly Invitae), Labcorp
Classification: Uncertain significance for Catecholaminergic polymorphic ventricular tachycardia 1. Last evaluated: 2023-05-18. Review status: criteria provided, single submitter. Criteria: Invitae Variant Classification Sherloc (09022015). Collection method: clinical testing. Allele origin: germline.
Comment: In summary, the available evidence is currently insufficient to determine the role of this variant in disease. Therefore, it has been classified as a Variant of Uncertain Significance. This sequence change replaces histidine, which is basic and polar, with arginine, which is basic and polar, at codon 1267 of the RYR2 protein (p.His1267Arg). This variant is not present in population databases (gnomAD no frequency). This variant has not been reported in the literature in individuals affected with RYR2-related conditions. ClinVar contains an entry for this variant (Variation ID: 2430697). Advanced modeling of protein sequence and biophysical properties (such as structural, functional, and spatial information, amino acid conservation, physicochemical variation, residue mobility, and thermodynamic stability) performed at Invitae indicates that this missense variant is not expected to disrupt RYR2 protein function.

GeneDx
Classification: Uncertain significance. Last evaluated: 2022-08-19. Review status: criteria provided, single submitter. Criteria: GeneDx Variant Classification Process June 2021. Collection method: clinical testing. Allele origin: germline. Affected: yes.
Comment: Not located in one of the three hot-spot regions of the RYR2 gene, where the majority of pathogenic missense variants occur (Medeiros-Domingo et al., 2009); In silico analysis supports that this missense variant has a deleterious effect on protein structure/function; Has not been previously published as pathogenic or benign to our knowledge; Not observed at significant frequency in large population cohorts (gnomAD); This variant is associated with the following publications: (PMID: 19926015)